The following is an entry in ClinVar:

ClinVar aggregate classification (germline): Uncertain significance (1 of 4 stars; one submission).

Submission:

Labcorp Genetics (formerly Invitae), Labcorp
Classification: Uncertain significance. Last evaluated: 2020-10-05. Review status: criteria provided, single submitter. Criteria: Invitae Variant Classification Sherloc (09022015). Collection method: clinical testing. Allele origin: germline.
Comment: This sequence change replaces proline with alanine at codon 402 of the FRMD7 protein (p.Pro402Ala). The proline residue is weakly conserved and there is a small physicochemical difference between proline and alanine. This variant is not present in population databases (ExAC no frequency). This variant has not been reported in the literature in individuals with FRMD7-related conditions. Algorithms developed to predict the effect of missense changes on protein structure and function output the following: SIFT: "Tolerated"; PolyPhen-2: "Benign"; Align-GVGD: "Class C0". The alanine amino acid residue is found in multiple mammalian species, suggesting that this missense change does not adversely affect protein function. These predictions have not been confirmed by published functional studies and their clinical significance is uncertain. In summary, the available evidence is currently insufficient to determine the role of this variant in disease. Therefore, it has been classified as a Variant of Uncertain Significance.

NM_194277.3(FRMD7):c.1204C>G (p.Pro402Ala)

Gene: FRMD7 (FERM domain containing 7; minus strand). Cytogenetic location: Xq26.2.
Variant type: single nucleotide variant.
Coding change: c.1204C>G on transcript NM_194277.3 (MANE Select); coding-DNA position 1204, C replaced by G.
Protein change: p.Pro402Ala; replaces proline 402 with alanine.
Molecular consequence: missense variant.
Genome position (GRCh38, 1-based): chrX:132,078,813, G>C on the plus strand (C>G on the coding strand, the complement: FRMD7 is on the minus strand). VCF-style: chrX-132078813-G-C. GRCh37 (hg19) VCF-style: chrX-131212841-G-C.
Other names: c.1159C>G, p.Pro387Ala (NM_001306193.2); short protein forms P387A, P402A.
Identifiers: ClinVar variation 1024377 (VCV001024377.8), dbSNP rs1338205213, ClinGen allele CA414679616.